The following is an entry in ClinVar:

NM_144997.7(FLCN):c.1492G>A (p.Asp498Asn)

Gene: FLCN (folliculin; minus strand). Cytogenetic location: 17p11.2.
Variant type: single nucleotide variant.
Coding change: c.1492G>A on transcript NM_144997.7 (MANE Select); coding-DNA position 1492, G replaced by A.
Protein change: p.Asp498Asn; replaces aspartic acid 498 with asparagine.
Molecular consequence: missense variant.
Genome position (GRCh38, 1-based): chr17:17,215,031, C>T on the plus strand (G>A on the coding strand, the complement: FLCN is on the minus strand). VCF-style: chr17-17215031-C-T. GRCh37 (hg19) VCF-style: chr17-17118345-C-T.
Other names: c.1546G>A, p.Asp516Asn (NM_001353229.2); c.1492G>A, p.Asp498Asn (NM_001353230.2, NM_001353231.2); short protein forms D498N, D516N.
Identifiers: ClinVar variation 4744801 (VCV004744801.1).

ClinVar aggregate classification (germline): Uncertain significance (1 of 4 stars; one submission).

Conditions:
Birt-Hogg-Dube syndrome. Also called: Birt Hogg Dubé syndrome. Identifiers: Orphanet 122, MedGen C0346010, MONDO:0800444.

Submission:

Labcorp Genetics (formerly Invitae), Labcorp
Classification: Uncertain significance for Birt-Hogg-Dube syndrome. Last evaluated: 2025-12-03. Review status: criteria provided, single submitter. Criteria: Invitae Variant Classification Sherloc (09022015). Collection method: clinical testing. Allele origin: germline.
Comment: This sequence change replaces aspartic acid, which is acidic and polar, with asparagine, which is neutral and polar, at codon 498 of the FLCN protein (p.Asp498Asn). This variant is not present in population databases (gnomAD no frequency). This variant has not been reported in the literature in individuals affected with FLCN-related conditions. Invitae Evidence Modeling of protein sequence and biophysical properties (such as structural, functional, and spatial information, amino acid conservation, physicochemical variation, residue mobility, and thermodynamic stability) indicates that this missense variant is not expected to disrupt FLCN protein function with a negative predictive value of 80%. In summary, the available evidence is currently insufficient to determine the role of this variant in disease. Therefore, it has been classified as a Variant of Uncertain Significance.